The following is an entry in ClinVar:

NC_000007.13:g.(?_5792457)_(5792630_?)dup

Gene: RNF216 (ring finger protein 216; minus strand). Cytogenetic location: 7p22.1.
Variant type: Duplication.
Identifiers: ClinVar variation 1348614 (VCV001348614.5).

ClinVar aggregate classification (germline): Likely pathogenic (1 of 4 stars; one submission).

Submission:

Labcorp Genetics (formerly Invitae), Labcorp
Classification: Likely pathogenic. Last evaluated: 2023-02-09. Review status: criteria provided, single submitter. Criteria: Invitae Variant Classification Sherloc (09022015). Collection method: clinical testing. Allele origin: germline.
Comment: This variant results in a copy number gain of the genomic region encompassing exon(s) 3 of the RNF216 gene. While the exact position of this variant cannot be determined from the data, sub-genic copy number gains are generally in tandem (PMID: 25640679). This variant is predicted to be out-of-frame, and may result in an absent or disrupted protein product. Loss-of-function variants in RNF216 are known to be pathogenic (PMID: 24108619, 25841028). This variant has not been reported in the literature in individuals affected with RNF216-related conditions. In summary, the currently available evidence indicates that the variant is pathogenic, but additional data are needed to prove that conclusively. Therefore, this variant has been classified as Likely Pathogenic.

Literature cited by the submitters: PubMed 25640679; PubMed 24108619; PubMed 25841028.